The following is an entry in ClinVar:

ClinVar aggregate classification (germline): Uncertain significance. Review status: criteria provided, multiple submitters, no conflicts (2 of 4 stars). 3 submissions from 3 submitters: Uncertain significance (3). Last evaluated 2025-10-22.

Allele frequency attached by ClinVar (database versions not stated): ExAC 0.00037; ESP Exome Variant Server 0.00046; gnomAD exomes 0.00046 and 0.00069; TOPMed 0.00048; gnomAD 0.00054 and 0.00055.
gnomAD v4.1: 1,074 of 1,613,704 alleles (0.067%); highest among the groups gnomAD compares: Admixed American, 0.085%; no homozygotes.

Submissions (3):

Labcorp Genetics (formerly Invitae), Labcorp
Classification: Uncertain significance. Last evaluated: 2025-10-22. Review status: criteria provided, single submitter. Criteria: Invitae Variant Classification Sherloc (09022015). Collection method: clinical testing. Allele origin: germline.
Comment: This sequence change replaces threonine, which is neutral and polar, with methionine, which is neutral and non-polar, at codon 613 of the GRM6 protein (p.Thr613Met). This variant is present in population databases (rs61733044, gnomAD 0.1%), and has an allele count higher than expected for a pathogenic variant. This variant has not been reported in the literature in individuals affected with GRM6-related conditions. ClinVar contains an entry for this variant (Variation ID: 853647). Invitae Evidence Modeling of protein sequence and biophysical properties (such as structural, functional, and spatial information, amino acid conservation, physicochemical variation, residue mobility, and thermodynamic stability) has been performed for this missense variant. However, the output from this modeling did not meet the statistical confidence thresholds required to predict the impact of this variant on GRM6 protein function. In summary, the available evidence is currently insufficient to determine the role of this variant in disease. Therefore, it has been classified as a Variant of Uncertain Significance.

Blueprint Genetics
Classification: Uncertain significance. Last evaluated: 2024-10-31. Review status: criteria provided, single submitter. Criteria: ACMG Guidelines, 2015. Collection method: clinical testing. Allele origin: germline.

Breakthrough Genomics
Classification: Uncertain significance. Review status: criteria provided, single submitter. Criteria: ACMG Guidelines, 2015. Collection method: not provided. Allele origin: germline. Inheritance: Autosomal recessive inheritance. Affected: yes.

NM_000843.4(GRM6):c.1838C>T (p.Thr613Met)

Genes: GRM6 (glutamate metabotropic receptor 6; minus strand), ZNF454 (zinc finger protein 454; plus strand). Cytogenetic location: 5q35.3.
Variant type: single nucleotide variant.
Coding change: c.1838C>T on transcript NM_000843.4 (MANE Select); coding-DNA position 1838, C replaced by T.
Protein change: p.Thr613Met; replaces threonine 613 with methionine.
Molecular consequence: missense variant.
Genome position (GRCh38, 1-based): chr5:178,986,416, G>A on the plus strand (C>T on the coding strand, the complement: GRM6 is on the minus strand). VCF-style: chr5-178986416-G-A. GRCh37 (hg19) VCF-style: chr5-178413417-G-A.
Other names: short protein forms T613M.
Identifiers: ClinVar variation 853647 (VCV000853647.8), dbSNP rs61733044, ClinGen allele CA3593913.